The following is an entry in ClinVar:

ClinVar aggregate classification (germline): Uncertain significance. Review status: criteria provided, multiple submitters, no conflicts (2 of 4 stars). 3 submissions from 3 submitters: Uncertain significance (3). Last evaluated 2025-05-28.

Conditions:
Diffuse cerebral and cerebellar atrophy - intractable seizures - progressive microcephaly syndrome. Also called: Microcephaly, progressive, with seizures and cerebral and cerebellar atrophy. Identifiers: Orphanet 404437, MedGen C4014239, MONDO:0014335, OMIM 615760.

Allele frequency attached by ClinVar (database versions not stated): TOPMed 0.00002; gnomAD 0.00003 and 0.00005; gnomAD exomes 0.00006 and 0.00011; 1000 Genomes Project 0.00020; ExAC 0.00015; 1000 Genomes Project 30x 0.00016.
gnomAD v4.1: 100 of 1,614,174 alleles (0.0062%); highest among the groups gnomAD compares: South Asian, 0.077%; no homozygotes.

Submissions (3):

GeneDx
Classification: Uncertain significance. Last evaluated: 2025-05-28. Review status: criteria provided, single submitter. Criteria: GeneDx Variant Classification Process June 2021. Collection method: clinical testing. Allele origin: germline. Affected: yes.
Comment: In silico analysis supports that this missense variant has a deleterious effect on protein structure/function; Has not been previously published as pathogenic or benign to our knowledge; In silico analysis is inconclusive as to whether the variant alters gene splicing. In the absence of RNA/functional studies, the actual effect of this sequence change is unknown.; This variant is associated with the following publications: (PMID: 25471517)

Labcorp Genetics (formerly Invitae), Labcorp
Classification: Uncertain significance for Diffuse cerebral and cerebellar atrophy - intractable seizures - progressive microcephaly syndrome. Last evaluated: 2024-10-25. Review status: criteria provided, single submitter. Criteria: Invitae Variant Classification Sherloc (09022015). Collection method: clinical testing. Allele origin: germline.
Comment: This sequence change replaces arginine, which is basic and polar, with histidine, which is basic and polar, at codon 690 of the QARS protein (p.Arg690His). This variant is present in population databases (rs201781920, gnomAD 0.06%). This variant has not been reported in the literature in individuals affected with QARS-related conditions. ClinVar contains an entry for this variant (Variation ID: 544143). Invitae Evidence Modeling of protein sequence and biophysical properties (such as structural, functional, and spatial information, amino acid conservation, physicochemical variation, residue mobility, and thermodynamic stability) has been performed for this missense variant. However, the output from this modeling did not meet the statistical confidence thresholds required to predict the impact of this variant on QARS protein function. In summary, the available evidence is currently insufficient to determine the role of this variant in disease. Therefore, it has been classified as a Variant of Uncertain Significance.

Blueprint Genetics
Classification: Uncertain significance. Last evaluated: 2024-05-16. Review status: criteria provided, single submitter. Criteria: ACMG Guidelines, 2015. Collection method: clinical testing. Allele origin: germline.

NM_005051.3(QARS1):c.2069G>A (p.Arg690His)

Gene: QARS1 (glutaminyl-tRNA synthetase 1; minus strand). Cytogenetic location: 3p21.31.
Variant type: single nucleotide variant.
Coding change: c.2069G>A on transcript NM_005051.3 (MANE Select); coding-DNA position 2069, G replaced by A.
Protein change: p.Arg690His; replaces arginine 690 with histidine.
Molecular consequence: missense variant. On other transcripts: non-coding transcript variant (1).
Genome position (GRCh38, 1-based): chr3:49,098,368, C>T on the plus strand (G>A on the coding strand, the complement: QARS1 is on the minus strand). VCF-style: chr3-49098368-C-T. GRCh37 (hg19) VCF-style: chr3-49135801-C-T.
Other names: c.2036G>A, p.Arg679His (NM_001272073.2); short protein forms R690H, R679H.
Identifiers: ClinVar variation 544143 (VCV000544143.9), dbSNP rs201781920, ClinGen allele CA2391545.